The following is an entry in ClinVar:

ClinVar aggregate classification (germline): Uncertain significance (1 of 4 stars; one submission).

Conditions:
TRIO-related disorder. Also called: TRIO-related condition; TRIO-related disorders.

Submission:

PreventionGenetics, part of Exact Sciences
Classification: Uncertain significance for TRIO-related condition. Last evaluated: 2023-03-08. Review status: criteria provided, single submitter. Criteria: ACMG Guidelines, 2015. Collection method: clinical testing. Allele origin: germline.
Comment: The TRIO c.6950G>A variant is predicted to result in the amino acid substitution p.Gly2317Asp. To our knowledge, this variant has not been reported in the literature or in a large population database, indicating this variant is rare. At this time, the clinical significance of this variant is uncertain due to the absence of conclusive functional and genetic evidence.

NM_007118.4(TRIO):c.6950G>A (p.Gly2317Asp)

Gene: TRIO (trio Rho guanine nucleotide exchange factor; plus strand). Cytogenetic location: 5p15.2.
Variant type: single nucleotide variant.
Coding change: c.6950G>A on transcript NM_007118.4 (MANE Select); coding-DNA position 6950, G replaced by A.
Protein change: p.Gly2317Asp; replaces glycine 2317 with aspartic acid.
Molecular consequence: missense variant. On other transcripts: non-coding transcript variant (1).
Genome position (GRCh38, 1-based): chr5:14,487,578, G>A. VCF-style: chr5-14487578-G-A. GRCh37 (hg19) VCF-style: chr5-14487687-G-A.
Other names: short protein forms G2317D.
Identifiers: ClinVar variation 2630279 (VCV002630279.1), dbSNP rs769488074, ClinGen allele CA3207303.